The following is an entry in ClinVar:

ClinVar aggregate classification (germline): Uncertain significance (1 of 4 stars; one submission).

Conditions:
Deficiency of galactokinase. Also called: Galactokinase deficiency with cataracts; GALACTOSEMIA II. Identifiers: Orphanet 352, Orphanet 79237, MedGen C0268155, MONDO:0009255, OMIM 230200.

Allele frequency attached by ClinVar (database versions not stated): ExAC 0.00001; gnomAD 0.00001; gnomAD exomes 0.00001.

Submission:

Labcorp Genetics (formerly Invitae), Labcorp
Classification: Uncertain significance for Deficiency of galactokinase. Last evaluated: 2022-07-12. Review status: criteria provided, single submitter. Criteria: Invitae Variant Classification Sherloc (09022015). Collection method: clinical testing. Allele origin: germline.
Comment: In summary, the available evidence is currently insufficient to determine the role of this variant in disease. Therefore, it has been classified as a Variant of Uncertain Significance. Algorithms developed to predict the effect of missense changes on protein structure and function output the following: SIFT: "Tolerated"; PolyPhen-2: "Benign"; Align-GVGD: "Class C0". The aspartic acid amino acid residue is found in multiple mammalian species, which suggests that this missense change does not adversely affect protein function. ClinVar contains an entry for this variant (Variation ID: 1018462). This variant has not been reported in the literature in individuals affected with GALK1-related conditions. This variant is present in population databases (rs771717336, gnomAD 0.01%). This sequence change replaces glycine, which is neutral and non-polar, with aspartic acid, which is acidic and polar, at codon 196 of the GALK1 protein (p.Gly196Asp).

NM_000154.2(GALK1):c.587G>A (p.Gly196Asp)

Gene: GALK1 (galactokinase 1; minus strand). Cytogenetic location: 17q25.1.
Variant type: single nucleotide variant.
Coding change: c.587G>A on transcript NM_000154.2 (MANE Select); coding-DNA position 587, G replaced by A.
Protein change: p.Gly196Asp; replaces glycine 196 with aspartic acid.
Molecular consequence: missense variant.
Genome position (GRCh38, 1-based): chr17:75,763,038, C>T on the plus strand (G>A on the coding strand, the complement: GALK1 is on the minus strand). VCF-style: chr17-75763038-C-T. GRCh37 (hg19) VCF-style: chr17-73759119-C-T.
Other names: c.587G>A, p.Gly196Asp (NM_001381985.1); short protein forms G196D.
Identifiers: ClinVar variation 1018462 (VCV001018462.5), dbSNP rs771717336, ClinGen allele CA8770904.